The following is an entry in ClinVar:

NM_152743.4(BRAT1):c.2329A>G (p.Arg777Gly)

Gene: BRAT1 (BRCA1 associated ATM activator 1; minus strand). Cytogenetic location: 7p22.3.
Variant type: single nucleotide variant.
Coding change: c.2329A>G on transcript NM_152743.4 (MANE Select); coding-DNA position 2329, A replaced by G.
Protein change: p.Arg777Gly; replaces arginine 777 with glycine.
Molecular consequence: missense variant. On other transcripts: non-coding transcript variant (1).
Genome position (GRCh38, 1-based): chr7:2,538,206, T>C on the plus strand (A>G on the coding strand, the complement: BRAT1 is on the minus strand). VCF-style: chr7-2538206-T-C. GRCh37 (hg19) VCF-style: chr7-2577840-T-C.
Other names: c.2509A>G, p.Arg837Gly (NM_001350626.2); c.1804A>G, p.Arg602Gly (NM_001350627.2); short protein forms R777G, R602G, R837G.
Identifiers: ClinVar variation 540171 (VCV000540171.14), dbSNP rs773571503, ClinGen allele CA4127388.

ClinVar aggregate classification (germline): Conflicting classifications of pathogenicity. Review status: criteria provided, conflicting classifications (1 of 4 stars). 5 submissions from 5 submitters: Uncertain significance (4); Likely benign (1). Last evaluated 2026-01-04.

Conditions:
Neonatal-onset encephalopathy with rigidity and seizures. Also called: Lethal neonatal spasticity-epileptic encephalopathy syndrome. Identifiers: Orphanet 435845, MedGen C3281029, MONDO:0013784, OMIM 614498.
Neurodevelopmental disorder with cerebellar atrophy and with or without seizures. Identifiers: MedGen C4748032, MONDO:0020841, OMIM 618056.
Inborn genetic diseases. Identifiers: MedGen C0950123, MeSH D030342.

Allele frequency attached by ClinVar (database versions not stated): gnomAD exomes 0.00009 and 0.00005; ExAC 0.00006; gnomAD 0.00007 and 0.00009; TOPMed 0.00009.
gnomAD v4.1: 79 of 1,609,806 alleles (0.0049%); highest among the groups gnomAD compares: Admixed American, 0.06%; no homozygotes.

Submissions (5):

Labcorp Genetics (formerly Invitae), Labcorp
Classification: Likely benign for Neonatal-onset encephalopathy with rigidity and seizures. Last evaluated: 2026-01-04. Review status: criteria provided, single submitter. Criteria: Invitae Variant Classification Sherloc (09022015). Collection method: clinical testing. Allele origin: germline.

GeneDx
Classification: Uncertain significance. Last evaluated: 2022-02-11. Review status: criteria provided, single submitter. Criteria: GeneDx Variant Classification Process June 2021. Collection method: clinical testing. Allele origin: germline. Affected: yes.
Comment: In silico analysis supports that this missense variant does not alter protein structure/function; Has not been previously reported as pathogenic or benign to our knowledge

Ambry Genetics
Classification: Uncertain significance for Inborn genetic diseases. Last evaluated: 2021-05-18. Review status: criteria provided, single submitter. Criteria: Ambry Variant Classification Scheme 2023. Collection method: clinical testing. Allele origin: germline.

Fulgent Genetics
Classification: Uncertain significance for Neonatal-onset encephalopathy with rigidity and seizures; Neurodevelopmental disorder with cerebellar atrophy and with or without seizures. Last evaluated: 2018-10-31. Review status: criteria provided, single submitter. Criteria: ACMG Guidelines, 2015. Collection method: clinical testing. Allele origin: unknown.

Athena Diagnostics
Classification: Uncertain significance. Last evaluated: 2018-06-22. Review status: criteria provided, single submitter. Criteria: Athena Diagnostics Criteria. Collection method: clinical testing. Allele origin: germline.